The following is an entry in ClinVar:

NM_000834.5(GRIN2B):c.3782A>T (p.Gln1261Leu)

Gene: GRIN2B (glutamate ionotropic receptor NMDA type subunit 2B; minus strand). Cytogenetic location: 12p13.1.
Variant type: single nucleotide variant.
Coding change: c.3782A>T on transcript NM_000834.5 (MANE Select); coding-DNA position 3782, A replaced by T.
Protein change: p.Gln1261Leu; replaces glutamine 1261 with leucine.
Molecular consequence: missense variant.
Genome position (GRCh38, 1-based): chr12:13,563,456, T>A on the plus strand (A>T on the coding strand, the complement: GRIN2B is on the minus strand). VCF-style: chr12-13563456-T-A. GRCh37 (hg19) VCF-style: chr12-13716390-T-A.
Other names: short protein forms Q1261L.
Identifiers: ClinVar variation 934339 (VCV000934339.10), dbSNP rs1948579532, ClinGen allele CA383987503.

ClinVar aggregate classification (germline): Uncertain significance (1 of 4 stars; one submission).

Conditions:
Intellectual developmental disorder, autosomal dominant 6, with or without seizures. Also called: Intellectual disability, autosomal dominant 6; GRIN2B-related developmental delay, intellectual disability and autism spectrum disorder. Identifiers: Orphanet 589547, MedGen C3151411, MONDO:0013509, OMIM 613970.
Developmental and epileptic encephalopathy, 27 (DEE27). Also called: Epileptic encephalopathy, early infantile, 27; GRIN2B-Related Neurodevelopmental Disorder. Identifiers: Orphanet 3451, MedGen C4015316, MONDO:0014505, OMIM 616139.

Submission:

Labcorp Genetics (formerly Invitae), Labcorp
Classification: Uncertain significance for Developmental and epileptic encephalopathy, 27; Intellectual developmental disorder, autosomal dominant 6, with or without seizures. Last evaluated: 2022-11-29. Review status: criteria provided, single submitter. Criteria: Invitae Variant Classification Sherloc (09022015). Collection method: clinical testing. Allele origin: germline.
Comment: Advanced modeling of protein sequence and biophysical properties (such as structural, functional, and spatial information, amino acid conservation, physicochemical variation, residue mobility, and thermodynamic stability) performed at Invitae indicates that this missense variant is not expected to disrupt GRIN2B protein function. In summary, the available evidence is currently insufficient to determine the role of this variant in disease. Therefore, it has been classified as a Variant of Uncertain Significance. ClinVar contains an entry for this variant (Variation ID: 934339). This variant has not been reported in the literature in individuals affected with GRIN2B-related conditions. This variant is not present in population databases (gnomAD no frequency). This sequence change replaces glutamine, which is neutral and polar, with leucine, which is neutral and non-polar, at codon 1261 of the GRIN2B protein (p.Gln1261Leu).